The following is an entry in ClinVar:

ClinVar aggregate classification (germline): Likely benign (0 of 4 stars; one submission).

Conditions:
DPF2-related disorder. Also called: DPF2-related condition.

Allele frequency attached by ClinVar (database versions not stated): gnomAD exomes below 0.00001; TOPMed below 0.00001; gnomAD 0.00001; ExAC 0.00002.
gnomAD v4.1: 10 of 1,598,110 alleles (0.00063%); highest among the groups gnomAD compares: Non-Finnish European, 0.00068%; no homozygotes.

Submission:

PreventionGenetics, part of Exact Sciences
Classification: Likely benign for DPF2-related condition. Last evaluated: 2019-03-27. Review status: no assertion criteria provided. Collection method: clinical testing. Allele origin: germline.
Comment: This variant is classified as likely benign based on ACMG/AMP sequence variant interpretation guidelines (Richards et al. 2015 PMID: 25741868, with internal and published modifications).

NM_006268.5(DPF2):c.501C>T (p.Leu167=)

Gene: DPF2 (double PHD fingers 2; plus strand). Cytogenetic location: 11q13.1.
Variant type: single nucleotide variant.
Coding change: c.501C>T on transcript NM_006268.5 (MANE Select); coding-DNA position 501, C replaced by T.
Protein change: p.Leu167=; no amino-acid change (leucine 167 retained).
Molecular consequence: synonymous variant.
Genome position (GRCh38, 1-based): chr11:65,343,780, C>T. VCF-style: chr11-65343780-C-T. GRCh37 (hg19) VCF-style: chr11-65111251-C-T.
Other names: c.501C>T, p.Leu167= (NM_001330308.2).
Identifiers: ClinVar variation 3057850 (VCV003057850.2), dbSNP rs376241523, ClinGen allele CA6095289.